The following is an entry in ClinVar:

ClinVar aggregate classification (germline): Likely pathogenic (1 of 4 stars; one submission).

Conditions:
SYNCRIP-associated neurodevelopmental disorder.

Submission:

Institute of Human Genetics, University of Leipzig Medical Center
Classification: Likely pathogenic for SYNCRIP-associated neurodevelopmental disorder. Last evaluated: 2023-06-27. Review status: criteria provided, single submitter. Criteria: ACMG Guidelines, 2015. Collection method: clinical testing. Allele origin: unknown. Inheritance: Autosomal dominant inheritance. Affected: yes.
Comment: Criteria applied: PVS1,PM2_SUP

NM_006372.5(SYNCRIP):c.438dup (p.Pro147fs)

Gene: SYNCRIP (synaptotagmin binding cytoplasmic RNA interacting protein; minus strand). Cytogenetic location: 6q14.3.
Variant type: Duplication.
Coding change: c.438dup on transcript NM_006372.5 (MANE Select); coding-DNA position 438, one base duplicated (A; older notation c.438dupA).
Protein change: p.Pro147fs; shifts the reading frame from proline 147.
Molecular consequence: frameshift variant.
Genome position (GRCh38, 1-based): chr6:85,637,294, T duplicated on the plus strand (A on the coding strand, the reverse complement: SYNCRIP is on the minus strand). VCF-style (leftmost placement, unchanged base first): chr6-85637293-G-GT. GRCh37 (hg19) VCF-style: chr6-86347011-G-GT.
Other names: c.144dup, p.Pro49fs (NM_001159673.2, NM_001410938.1); c.438dup, p.Pro147fs (NM_001159674.2, NM_001159677.2); c.438dup, p.Pro147Thrfs (NM_001159675.2, NM_001159676.2); c.8dup, p.Asp3fs (NM_001253771.2); short protein forms D3fs, P147fs, P49fs.
Identifiers: ClinVar variation 2576614 (VCV002576614.2), dbSNP rs2537968823, ClinGen allele CA2580617306.